The following is an entry in ClinVar:

NM_020693.4(DSCAML1):c.6035G>A (p.Arg2012Gln)

Gene: DSCAML1 (DS cell adhesion molecule like 1; minus strand). Cytogenetic location: 11q23.3.
Variant type: single nucleotide variant.
Coding change: c.6035G>A on transcript NM_020693.4 (MANE Select); coding-DNA position 6035, G replaced by A.
Protein change: p.Arg2012Gln; replaces arginine 2012 with glutamine.
Molecular consequence: missense variant.
Genome position (GRCh38, 1-based): chr11:117,428,455, C>T on the plus strand (G>A on the coding strand, the complement: DSCAML1 is on the minus strand). VCF-style: chr11-117428455-C-T. GRCh37 (hg19) VCF-style: chr11-117299171-C-T.
Other names: short protein forms R2012Q.
Identifiers: ClinVar variation 2874469 (VCV002874469.3), dbSNP rs1024856803, ClinGen allele CA382750937.
Genomic context (GRCh38, chr11:117,428,455, plus strand): 5'-GTGCTCATCTCGAGAAGCGAGTCCCTGGAGCCCCCCATTTTGGTGTGTGGGCCCCCGGCT[C>T]GTGGAGGCTCGGTGCTGGGGGCCGGAGGGGCAGCGCTGGGGGCGGTGGGTGGCTCAGCAG-3'
Protein context (NP_065744.3, residues 2002-2022): APPAPSTEPP[Arg2012Gln]AGGPHTKMGG

ClinVar aggregate classification (germline): Uncertain significance (1 of 4 stars; one submission).

Allele frequency attached by ClinVar (database versions not stated): gnomAD 0.00001; gnomAD exomes 0.00003.
gnomAD v4.1: 38 of 1,513,118 alleles (0.0025%); highest among the groups gnomAD compares: Non-Finnish European, 0.0031%; 1 homozygote.

Submission:

Labcorp Genetics (formerly Invitae), Labcorp
Classification: Uncertain significance. Last evaluated: 2023-01-09. Review status: criteria provided, single submitter. Criteria: Invitae Variant Classification Sherloc (09022015). Collection method: clinical testing. Allele origin: germline.
Comment: This variant has not been reported in the literature in individuals affected with DSCAML1-related conditions. This variant is present in population databases (no rsID available, gnomAD 0.004%). This sequence change replaces arginine, which is basic and polar, with glutamine, which is neutral and polar, at codon 2072 of the DSCAML1 protein (p.Arg2072Gln). Algorithms developed to predict the effect of missense changes on protein structure and function (SIFT, PolyPhen-2, Align-GVGD) all suggest that this variant is likely to be tolerated. In summary, the available evidence is currently insufficient to determine the role of this variant in disease. Therefore, it has been classified as a Variant of Uncertain Significance.